The following is an entry in ClinVar:

NM_001173464.2(KIF21A):c.1851G>A (p.Glu617=)

Gene: KIF21A (kinesin family member 21A; minus strand). Cytogenetic location: 12q12.
Variant type: single nucleotide variant.
Coding change: c.1851G>A on transcript NM_001173464.2 (MANE Select); coding-DNA position 1851, G replaced by A.
Protein change: p.Glu617=; no amino-acid change (glutamic acid 617 retained).
Molecular consequence: synonymous variant.
Genome position (GRCh38, 1-based): chr12:39,341,575, C>T on the plus strand (G>A on the coding strand, the complement: KIF21A is on the minus strand). VCF-style: chr12-39341575-C-T. GRCh37 (hg19) VCF-style: chr12-39735377-C-T.
Other names: c.1812G>A, p.Glu604= (NM_001173463.2, NM_001173465.2, NM_017641.4).
Identifiers: ClinVar variation 763537 (VCV000763537.7), dbSNP rs147473938, ClinGen allele CA6510919.

ClinVar aggregate classification (germline): Likely benign. Review status: criteria provided, multiple submitters, no conflicts (2 of 4 stars). 2 submissions from 2 submitters: Likely benign (2). Last evaluated 2018-07-18.

Conditions:
Congenital fibrosis of extraocular muscles type 1. Also called: BLEPHAROPTOSIS WITH ABSENT EYE MOVEMENTS; FEOM1 LOCUS; CFEOM3B; OPHTHALMOPLEGIA, CONGENITAL. Identifiers: MedGen C1851102, MONDO:0021083, OMIM 135700.

Allele frequency attached by ClinVar (database versions not stated): gnomAD exomes 0.00006 and 0.00015; gnomAD 0.00007 and 0.00008; ExAC 0.00006; ESP Exome Variant Server 0.00015; TOPMed 0.00008.
gnomAD v4.1: 230 of 1,610,450 alleles (0.014%); highest among the groups gnomAD compares: Non-Finnish European, 0.019%; no homozygotes.

Submissions (2):

Labcorp Genetics (formerly Invitae), Labcorp
Classification: Likely benign. Last evaluated: 2018-07-18. Review status: criteria provided, single submitter. Criteria: Invitae Variant Classification Sherloc (09022015). Collection method: clinical testing. Allele origin: germline.

Illumina Laboratory Services, Illumina
Classification: Likely benign for Congenital fibrosis of extraocular muscles type 1. Last evaluated: 2018-01-13. Review status: criteria provided, single submitter. Criteria: ICSL Variant Classification Criteria 13 December 2019. Collection method: clinical testing. Allele origin: germline.
Comment: This variant was observed in the ICSL laboratory as part of a predisposition screen in an ostensibly healthy population. It had not been previously curated by ICSL or reported in the Human Gene Mutation Database (HGMD: prior to June 1st, 2018), and was therefore a candidate for classification through an automated scoring system. Utilizing variant allele frequency, disease prevalence and penetrance estimates, and inheritance mode, an automated score was calculated to assess if this variant is too frequent to cause the disease. Based on the score and internal cut-off values, a variant classified as likely benign is not then subjected to further curation. The score for this variant resulted in a classification of likely benign for this disease.